The following is an entry in ClinVar:

NM_000531.6(OTC):c.-5A>C

Gene: OTC (ornithine transcarbamylase; plus strand). Cytogenetic location: Xp11.4.
Variant type: single nucleotide variant.
Coding change: c.-5A>C on transcript NM_000531.6 (MANE Select); 5 bases upstream of the start codon, A replaced by C.
Molecular consequence: 5 prime UTR variant.
Genome position (GRCh38, 1-based): chrX:38,352,692, A>C. VCF-style: chrX-38352692-A-C. GRCh37 (hg19) VCF-style: chrX-38211945-A-C.
Other names: c.-5A>C (NM_001407092.1).
Identifiers: ClinVar variation 3074790 (VCV003074790.1), dbSNP rs2519941835, ClinGen allele CA2825002939.

ClinVar aggregate classification (germline): Uncertain significance (1 of 4 stars; one submission).

Conditions:
Ornithine carbamoyltransferase deficiency (OTCD). Also called: ORNITHINE TRANSCARBAMYLASE DEFICIENCY; ORNITHINE TRANSCARBAMYLASE DEFICIENCY, HYPERAMMONEMIA DUE TO; OTC DEFICIENCY; Ornithine Carbamoyltransferase Deficiency Disease. Identifiers: Orphanet 664, MedGen C0268542, MONDO:0010703, OMIM 311250.

Submission:

All of Us Research Program, National Institutes of Health
Classification: Uncertain significance for Ornithine carbamoyltransferase deficiency. Last evaluated: 2023-12-13. Review status: criteria provided, single submitter. Criteria: ACMG Guidelines, 2015. Collection method: clinical testing. Allele origin: germline. Inheritance: X-linked inheritance. Observed: 1 variant allele, 1 heterozygote.
Comment: This variant is located in the 5' untranslated region of the OTC gene. To our knowledge, functional studies have not been reported for this variant. This variant has not been reported in individuals affected with OTC-related disorders in the literature. This variant has not been identified in the general population by the Genome Aggregation Database (gnomAD). The available evidence is insufficient to determine the role of this variant in disease conclusively. Therefore, this variant is classified as a Variant of Uncertain Significance.

This study involves interpretation of variants in research participants for the purpose of population health screening. Participant phenotype was not available at the time of variant classification. Additional details can be found in publication PMID: 35346344, PMCID: PMC8962531